The following is an entry in ClinVar:

NM_000271.5(NPC1):c.1955C>T (p.Ser652Leu)

Gene: NPC1 (NPC intracellular cholesterol transporter 1; minus strand). Cytogenetic location: 18q11.2.
Variant type: single nucleotide variant.
Coding change: c.1955C>T on transcript NM_000271.5 (MANE Select); coding-DNA position 1955, C replaced by T.
Protein change: p.Ser652Leu; replaces serine 652 with leucine.
Molecular consequence: missense variant.
Genome position (GRCh38, 1-based): chr18:23,544,519, G>A on the plus strand (C>T on the coding strand, the complement: NPC1 is on the minus strand). VCF-style: chr18-23544519-G-A. GRCh37 (hg19) VCF-style: chr18-21124483-G-A.
Other names: short protein forms S652L.
Identifiers: ClinVar variation 2058944 (VCV002058944.1), dbSNP rs765652543, ClinGen allele CA8913253.

ClinVar aggregate classification (germline): Uncertain significance (1 of 4 stars; one submission).

Conditions:
Niemann-Pick disease, type C1. Also called: NIEMANN-PICK DISEASE, VARIANT TYPE C1; NEUROVISCERAL STORAGE DISEASE WITH VERTICAL SUPRANUCLEAR OPHTHALMOPLEGIA; NIEMANN-PICK DISEASE WITH CHOLESTEROL ESTERIFICATION BLOCK; NIEMANN-PICK DISEASE WITHOUT SPHINGOMYELINASE DEFICIENCY; NIEMANN-PICK DISEASE, CHRONIC NEURONOPATHIC FORM. Identifiers: Orphanet 646, MedGen C3179455, MONDO:0009757, OMIM 257220.

Allele frequency attached by ClinVar (database versions not stated): TOPMed below 0.00001; ExAC 0.00001; gnomAD 0.00001.
gnomAD v4.1: 13 of 1,613,992 alleles (0.00081%); highest among the groups gnomAD compares: Admixed American, 0.0033%; no homozygotes.

Submission:

Labcorp Genetics (formerly Invitae), Labcorp
Classification: Uncertain significance for Niemann-Pick disease, type C1. Last evaluated: 2022-03-19. Review status: criteria provided, single submitter. Criteria: Invitae Variant Classification Sherloc (09022015). Collection method: clinical testing. Allele origin: germline.
Comment: This sequence change replaces serine, which is neutral and polar, with leucine, which is neutral and non-polar, at codon 652 of the NPC1 protein (p.Ser652Leu). This variant is present in population databases (rs765652543, gnomAD 0.005%). This variant has not been reported in the literature in individuals affected with NPC1-related conditions. Advanced modeling of protein sequence and biophysical properties (such as structural, functional, and spatial information, amino acid conservation, physicochemical variation, residue mobility, and thermodynamic stability) performed at Invitae indicates that this missense variant is expected to disrupt NPC1 protein function. In summary, the available evidence is currently insufficient to determine the role of this variant in disease. Therefore, it has been classified as a Variant of Uncertain Significance.